The following is an entry in ClinVar:

NM_014317.5(PDSS1):c.610-316G>A

Gene: PDSS1 (decaprenyl diphosphate synthase subunit 1; plus strand). Cytogenetic location: 10p12.1.
Variant type: single nucleotide variant.
Coding change: c.610-316G>A on transcript NM_014317.5 (MANE Select); 316 bases into the intron before coding-DNA position 610, G replaced by A.
Molecular consequence: intron variant.
Genome position (GRCh38, 1-based): chr10:26,723,490, G>A. VCF-style: chr10-26723490-G-A. GRCh37 (hg19) VCF-style: chr10-27012419-G-A.
Other names: c.100-316G>A (NM_001321979.2); c.610-316G>A (NM_001321978.2).
Identifiers: ClinVar variation 671228 (VCV000671228.1), dbSNP rs117441268, ClinGen allele CA204403721.

ClinVar aggregate classification (germline): Likely benign (1 of 4 stars; one submission).

Allele frequency attached by ClinVar (database versions not stated): 1000 Genomes Project 0.00899; 1000 Genomes Project 30x 0.00906; TOPMed 0.01222; gnomAD 0.01401 and 0.01458.

Submission:

GeneDx
Classification: Likely benign. Last evaluated: 2018-06-14. Review status: criteria provided, single submitter. Criteria: GeneDx Variant Classification (06012015). Collection method: clinical testing. Allele origin: germline. Affected: yes.
Comment: This variant is considered likely benign or benign based on one or more of the following criteria: it is a conservative change, it occurs at a poorly conserved position in the protein, it is predicted to be benign by multiple in silico algorithms, and/or has population frequency not consistent with disease.